The following is an entry in ClinVar:

NM_006445.4(PRPF8):c.4063T>G (p.Ser1355Ala)

Gene: PRPF8 (pre-mRNA processing factor 8; minus strand). Cytogenetic location: 17p13.3.
Variant type: single nucleotide variant.
Coding change: c.4063T>G on transcript NM_006445.4 (MANE Select); coding-DNA position 4063, T replaced by G.
Protein change: p.Ser1355Ala; replaces serine 1355 with alanine.
Molecular consequence: missense variant.
Genome position (GRCh38, 1-based): chr17:1,661,750, A>C on the plus strand (T>G on the coding strand, the complement: PRPF8 is on the minus strand). VCF-style: chr17-1661750-A-C. GRCh37 (hg19) VCF-style: chr17-1565044-A-C.
Other names: short protein forms S1355A.
Identifiers: ClinVar variation 4975057 (VCV004975057.1).

ClinVar aggregate classification (germline): Uncertain significance (1 of 4 stars; one submission).

Submission:

GeneDx
Classification: Uncertain significance. Last evaluated: 2026-03-15. Review status: criteria provided, single submitter. Criteria: GeneDx Variant Classification Process June 2021. Collection method: clinical testing. Allele origin: germline.
Comment: Not observed at significant frequency in large population cohorts (gnomAD); In silico analysis suggests that this missense variant does not alter protein structure/function; Has not been previously published as pathogenic or benign to our knowledge